The following is an entry in ClinVar:

NM_000245.4(MET):c.2977A>G (p.Thr993Ala)

Gene: MET (MET proto-oncogene, receptor tyrosine kinase; plus strand). Cytogenetic location: 7q31.2.
Variant type: single nucleotide variant.
Coding change: c.2977A>G on transcript NM_000245.4 (MANE Select); coding-DNA position 2977, A replaced by G.
Protein change: p.Thr993Ala; replaces threonine 993 with alanine.
Molecular consequence: missense variant.
Genome position (GRCh38, 1-based): chr7:116,771,938, A>G. VCF-style: chr7-116771938-A-G. GRCh37 (hg19) VCF-style: chr7-116411992-A-G.
Other names: c.3031A>G (LRG_662t1); c.3031A>G, p.Thr1011Ala (NM_001127500.3); c.1687A>G, p.Thr563Ala (NM_001324402.2); short protein forms T1011A, T563A, T993A.
Identifiers: ClinVar variation 134644 (VCV000134644.11), dbSNP rs587778441, ClinGen allele CA160410.
Genomic context (GRCh38, chr7:116,771,938, plus strand): 5'-GCAAGAGTACACACTCCTCATTTGGATAGGCTTGTAAGTGCCCGAAGTGTAAGCCCAACT[A>G]CAGAAATGGTTTCAAATGAATCTGTAGACTACCGAGCTACTTTTCCAGAAGGTATATTTC-3'
Protein context (NP_000236.2, residues 983-1003): LVSARSVSPT[Thr993Ala]EMVSNESVDY

ClinVar aggregate classification (germline): Conflicting classifications of pathogenicity. Review status: criteria provided, conflicting classifications (1 of 4 stars). 3 submissions from 3 submitters: Uncertain significance (1); Likely benign (1). 1 of the submissions does not count toward it. Last evaluated 2025-11-18.

Conditions:
Renal cell carcinoma. Identifiers: Orphanet 217071, MedGen C0007134, MeSH D002292, MONDO:0005086, HP:0005584.
Hereditary cancer-predisposing syndrome. Also called: Tumor predisposition; Hereditary neoplastic syndrome; Neoplastic Syndromes, Hereditary; Hereditary Cancer Syndrome. Identifiers: Orphanet 140162, MedGen C0027672, MeSH D009386, MONDO:0015356.

Allele frequency attached by ClinVar (database versions not stated): gnomAD exomes below 0.00001 and 0.00001; TOPMed 0.00001; ExAC 0.00002.
gnomAD v4.1: 3 of 1,613,910 alleles (0.00019%); highest among the groups gnomAD compares: East Asian, 0.0045%; no homozygotes.

Submissions (3):

Labcorp Genetics (formerly Invitae), Labcorp
Classification: Uncertain significance for Renal cell carcinoma. Last evaluated: 2025-11-18. Review status: criteria provided, single submitter. Criteria: Invitae Variant Classification Sherloc (09022015). Collection method: clinical testing. Allele origin: germline.
Comment: This sequence change replaces threonine, which is neutral and polar, with alanine, which is neutral and non-polar, at codon 1011 of the MET protein (p.Thr1011Ala). This variant is present in population databases (rs587778441, gnomAD 0.02%). This variant has not been reported in the literature in individuals affected with MET-related conditions. ClinVar contains an entry for this variant (Variation ID: 134644). Invitae Evidence Modeling of protein sequence and biophysical properties (such as structural, functional, and spatial information, amino acid conservation, physicochemical variation, residue mobility, and thermodynamic stability) indicates that this missense variant is not expected to disrupt MET protein function with a negative predictive value of 80%. In summary, the available evidence is currently insufficient to determine the role of this variant in disease. Therefore, it has been classified as a Variant of Uncertain Significance.

Ambry Genetics
Classification: Likely benign for Hereditary cancer-predisposing syndrome. Last evaluated: 2023-09-14. Review status: criteria provided, single submitter. Criteria: Ambry Variant Classification Scheme 2023. Collection method: clinical testing. Allele origin: germline.

ITMI
No classification provided. Condition: AllHighlyPenetrant. Last evaluated: 2013-09-19. Review status: no classification provided. Collection method: reference population. Allele origin: germline. Not counted in ClinVar's aggregate classification.
Comment: Please see associated publication for description of ethnicities

Literature cited by the submitters: PubMed 24728327 (cited by Ambry Genetics and ITMI).